The following is an entry in ClinVar:

NM_001197104.2(KMT2A):c.11123G>A (p.Arg3708His)

Genes: KMT2A (lysine methyltransferase 2A; plus strand), TTC36-AS1 (TTC36 and KMT2A antisense RNA 1; minus strand). Cytogenetic location: 11q23.3.
Variant type: single nucleotide variant.
Coding change: c.11123G>A on transcript NM_001197104.2 (MANE Select); coding-DNA position 11123, G replaced by A.
Protein change: p.Arg3708His; replaces arginine 3708 with histidine.
Molecular consequence: missense variant. On other transcripts: non-coding transcript variant (1).
Genome position (GRCh38, 1-based): chr11:118,512,002, G>A. VCF-style: chr11-118512002-G-A. GRCh37 (hg19) VCF-style: chr11-118382717-G-A.
Other names: c.11114G>A, p.Arg3705His (NM_005933.4); c.11123G>A (NM_001197104.1); short protein forms R3705H, R3708H.
Identifiers: ClinVar variation 1473220 (VCV001473220.9), dbSNP rs907814598, ClinGen allele CA229533682.

ClinVar aggregate classification (germline): Conflicting classifications of pathogenicity. Review status: criteria provided, conflicting classifications (1 of 4 stars). 2 submissions from 2 submitters: Uncertain significance (1); Likely benign (1). Last evaluated 2026-03-11.

Conditions:
Inborn genetic diseases. Identifiers: MedGen C0950123, MeSH D030342.

Allele frequency attached by ClinVar (database versions not stated): gnomAD exomes 0.00001; TOPMed 0.00001.
gnomAD v4.1: 9 of 1,613,924 alleles (0.00056%); highest among the groups gnomAD compares: Admixed American, 0.0033%; no homozygotes.

Submissions (2):

Ambry Genetics
Classification: Likely benign for Inborn genetic diseases. Last evaluated: 2026-03-11. Review status: criteria provided, single submitter. Criteria: Ambry Variant Classification Scheme 2023. Collection method: clinical testing. Allele origin: germline.

Labcorp Genetics (formerly Invitae), Labcorp
Classification: Uncertain significance. Last evaluated: 2023-03-08. Review status: criteria provided, single submitter. Criteria: Invitae Variant Classification Sherloc (09022015). Collection method: clinical testing. Allele origin: germline.
Comment: In summary, the available evidence is currently insufficient to determine the role of this variant in disease. Therefore, it has been classified as a Variant of Uncertain Significance. Advanced modeling of protein sequence and biophysical properties (such as structural, functional, and spatial information, amino acid conservation, physicochemical variation, residue mobility, and thermodynamic stability) performed at Invitae indicates that this missense variant is not expected to disrupt KMT2A protein function. ClinVar contains an entry for this variant (Variation ID: 1473220). This variant has not been reported in the literature in individuals affected with KMT2A-related conditions. This variant is present in population databases (no rsID available, gnomAD 0.003%). This sequence change replaces arginine, which is basic and polar, with histidine, which is basic and polar, at codon 3708 of the KMT2A protein (p.Arg3708His).